The following is an entry in ClinVar:

ClinVar aggregate classification (germline): Uncertain significance. Review status: criteria provided, multiple submitters, no conflicts (2 of 4 stars). 2 submissions from 2 submitters: Uncertain significance (2). Last evaluated 2026-02-01.

Allele frequency attached by ClinVar (database versions not stated): ESP Exome Variant Server 0.00008; TOPMed 0.00009; gnomAD 0.00011; 1000 Genomes Project 0.00020; 1000 Genomes Project 30x 0.00016; ExAC 0.00010.
gnomAD v4.1: 138 of 1,614,140 alleles (0.0085%); highest among the groups gnomAD compares: Admixed American, 0.047%; no homozygotes.

Submissions (2):

Labcorp Genetics (formerly Invitae), Labcorp
Classification: Uncertain significance. Last evaluated: 2026-02-01. Review status: criteria provided, single submitter. Criteria: Invitae Variant Classification Sherloc (09022015). Collection method: clinical testing. Allele origin: germline.
Comment: This sequence change replaces arginine, which is basic and polar, with tryptophan, which is neutral and slightly polar, at codon 757 of the ADGRE2 protein (p.Arg757Trp). This variant is present in population databases (rs201317256, gnomAD 0.04%). This variant has not been reported in the literature in individuals affected with ADGRE2-related conditions. ClinVar contains an entry for this variant (Variation ID: 2387771). An algorithm developed to predict the effect of missense changes on protein structure and function (PolyPhen-2) suggests that this variant is likely to be disruptive. In summary, the available evidence is currently insufficient to determine the role of this variant in disease. Therefore, it has been classified as a Variant of Uncertain Significance.

Ambry Genetics
Classification: Uncertain significance. Last evaluated: 2025-03-08. Review status: criteria provided, single submitter. Criteria: Ambry Variant Classification Scheme 2023. Collection method: clinical testing. Allele origin: germline.

NM_013447.4(ADGRE2):c.2269C>T (p.Arg757Trp)

Gene: ADGRE2 (adhesion G protein-coupled receptor E2; minus strand). Cytogenetic location: 19p13.12.
Variant type: single nucleotide variant.
Coding change: c.2269C>T on transcript NM_013447.4 (MANE Select); coding-DNA position 2269, C replaced by T.
Protein change: p.Arg757Trp; replaces arginine 757 with tryptophan.
Molecular consequence: missense variant.
Genome position (GRCh38, 1-based): chr19:14,743,699, G>A on the plus strand (C>T on the coding strand, the complement: ADGRE2 is on the minus strand). VCF-style: chr19-14743699-G-A. GRCh37 (hg19) VCF-style: chr19-14854511-G-A.
Other names: c.2095C>T, p.Arg699Trp (NM_001271052.1); c.2122C>T, p.Arg708Trp (NM_152916.2); c.1990C>T, p.Arg664Trp (NM_152917.2); short protein forms R664W, R699W, R708W, R757W.
Identifiers: ClinVar variation 2387771 (VCV002387771.6), dbSNP rs201317256, ClinGen allele CA9257421.